The following is an entry in ClinVar:

NM_000268.4(NF2):c.1270C>G (p.Arg424Gly)

Gene: NF2 (NF2, moesin-ezrin-radixin like (MERLIN) tumor suppressor; plus strand). Cytogenetic location: 22q12.2.
Variant type: single nucleotide variant.
Coding change: c.1270C>G on transcript NM_000268.4 (MANE Select); coding-DNA position 1270, C replaced by G.
Protein change: p.Arg424Gly; replaces arginine 424 with glycine.
Molecular consequence: missense variant. On other transcripts: intron variant (1), non-coding transcript variant (1).
Genome position (GRCh38, 1-based): chr22:29,673,416, C>G. VCF-style: chr22-29673416-C-G. GRCh37 (hg19) VCF-style: chr22-30069405-C-G.
Other names: c.448-21336C>G (NM_181833.3); c.1270C>G, p.Arg424Gly (NM_016418.5, NM_181825.3, NM_181832.3); c.1144C>G, p.Arg382Gly (NM_181828.3); c.1147C>G, p.Arg383Gly (NM_181829.3); c.1021C>G, p.Arg341Gly (NM_181830.3, NM_181831.3); short protein forms R424G, R341G, R382G, R383G.
Identifiers: ClinVar variation 341072 (VCV000341072.12), dbSNP rs763826793, ClinGen allele CA10650988.

ClinVar aggregate classification (germline): Uncertain significance. Review status: criteria provided, multiple submitters, no conflicts (2 of 4 stars). 3 submissions from 3 submitters: Uncertain significance (3). Last evaluated 2025-12-01.

Conditions:
Neurofibromatosis, type 2 (SWNV). Also called: SCHWANNOMATOSIS, VESTIBULAR; BILATERAL ACOUSTIC NEUROFIBROMATOSIS; NF2-Related Schwannomatosis. Identifiers: Orphanet 637, MedGen C0027832, MONDO:0007039, OMIM 101000. Disease mechanism: loss of function.
Hereditary cancer-predisposing syndrome. Also called: Hereditary neoplastic syndrome; Neoplastic Syndromes, Hereditary; Tumor predisposition; Hereditary Cancer Syndrome. Identifiers: Orphanet 140162, MedGen C0027672, MeSH D009386, MONDO:0015356.

Submissions (3):

Labcorp Genetics (formerly Invitae), Labcorp
Classification: Uncertain significance for Neurofibromatosis, type 2. Last evaluated: 2025-12-01. Review status: criteria provided, single submitter. Criteria: Invitae Variant Classification Sherloc (09022015). Collection method: clinical testing. Allele origin: germline.
Comment: This sequence change replaces arginine, which is basic and polar, with glycine, which is neutral and non-polar, at codon 424 of the NF2 protein (p.Arg424Gly). This variant is not present in population databases (gnomAD no frequency). This variant has not been reported in the literature in individuals affected with NF2-related conditions. ClinVar contains an entry for this variant (Variation ID: 341072). Invitae Evidence Modeling of protein sequence and biophysical properties (such as structural, functional, and spatial information, amino acid conservation, physicochemical variation, residue mobility, and thermodynamic stability) indicates that this missense variant is not expected to disrupt NF2 protein function with a negative predictive value of 80%. In summary, the available evidence is currently insufficient to determine the role of this variant in disease. Therefore, it has been classified as a Variant of Uncertain Significance.

Ambry Genetics
Classification: Uncertain significance for Hereditary cancer-predisposing syndrome. Last evaluated: 2023-06-05. Review status: criteria provided, single submitter. Criteria: Ambry Variant Classification Scheme 2023. Collection method: clinical testing. Allele origin: germline.
Comment: The p.R424G variant (also known as c.1270C>G), located in coding exon 12 of the NF2 gene, results from a C to G substitution at nucleotide position 1270. The arginine at codon 424 is replaced by glycine, an amino acid with dissimilar properties. This amino acid position is highly conserved in available vertebrate species. In addition, the in silico prediction for this alteration is inconclusive. Since supporting evidence is limited at this time, the clinical significance of this alteration remains unclear.

Illumina Laboratory Services, Illumina
Classification: Uncertain significance for Neurofibromatosis, type 2. Last evaluated: 2018-01-12. Review status: criteria provided, single submitter. Criteria: ICSL Variant Classification Criteria 13 December 2019. Collection method: clinical testing. Allele origin: germline.